The following is an entry in ClinVar:

NM_012281.3(KCND2):c.1547G>A (p.Ser516Asn)

Gene: KCND2 (potassium voltage-gated channel subfamily D member 2; plus strand). Cytogenetic location: 7q31.31.
Variant type: single nucleotide variant.
Coding change: c.1547G>A on transcript NM_012281.3 (MANE Select); coding-DNA position 1547, G replaced by A.
Protein change: p.Ser516Asn; replaces serine 516 with asparagine.
Molecular consequence: missense variant.
Genome position (GRCh38, 1-based): chr7:120,745,859, G>A. VCF-style: chr7-120745859-G-A. GRCh37 (hg19) VCF-style: chr7-120385913-G-A.
Other names: short protein forms S516N.
Identifiers: ClinVar variation 1345627 (VCV001345627.8), dbSNP rs2116190009, ClinGen allele CA369135476.

ClinVar aggregate classification (germline): Uncertain significance (1 of 4 stars; one submission).

Conditions:
Early Myoclonic Encephalopathy. Identifiers: MedGen C0270855.

Submission:

Labcorp Genetics (formerly Invitae), Labcorp
Classification: Uncertain significance for Early Myoclonic Encephalopathy. Last evaluated: 2021-04-16. Review status: criteria provided, single submitter. Criteria: Invitae Variant Classification Sherloc (09022015). Collection method: clinical testing. Allele origin: germline.
Comment: In summary, the available evidence is currently insufficient to determine the role of this variant in disease. Therefore, it has been classified as a Variant of Uncertain Significance. Advanced modeling of protein sequence and biophysical properties (such as structural, functional, and spatial information, amino acid conservation, physicochemical variation, residue mobility, and thermodynamic stability) performed at Invitae indicates that this missense variant is not expected to disrupt KCND2 protein function. This variant has not been reported in the literature in individuals with KCND2-related conditions. This variant is not present in population databases (ExAC no frequency). This sequence change replaces serine with asparagine at codon 516 of the KCND2 protein (p.Ser516Asn). The serine residue is moderately conserved and there is a small physicochemical difference between serine and asparagine.